The following is an entry in ClinVar:

ClinVar aggregate classification (germline): Uncertain significance (1 of 4 stars; one submission).

Conditions:
Inborn genetic diseases. Identifiers: MedGen C0950123, MeSH D030342.

Submission:

Ambry Genetics
Classification: Uncertain significance for Inborn genetic diseases. Last evaluated: 2025-04-02. Review status: criteria provided, single submitter. Criteria: Ambry Variant Classification Scheme 2023. Collection method: clinical testing. Allele origin: germline.
Comment: The p.V468L variant (also known as c.1402G>C), located in coding exon 16 of the RTEL1 gene, results from a G to C substitution at nucleotide position 1402. The valine at codon 468 is replaced by leucine, an amino acid with highly similar properties. This amino acid position is conserved. In addition, this alteration is predicted to be tolerated by in silico analysis. Based on the available evidence, the clinical significance of this variant remains unclear.

NM_001283009.2(RTEL1):c.1402G>C (p.Val468Leu)

Genes: RTEL1 (regulator of telomere elongation helicase 1; plus strand), RTEL1-TNFRSF6B (RTEL1-TNFRSF6B readthrough (NMD candidate); plus strand). Cytogenetic location: 20q13.33.
Variant type: single nucleotide variant.
Coding change: c.1402G>C on transcript NM_001283009.2 (MANE Select); coding-DNA position 1402, G replaced by C.
Protein change: p.Val468Leu; replaces valine 468 with leucine.
Molecular consequence: missense variant. On other transcripts: non-coding transcript variant (1).
Genome position (GRCh38, 1-based): chr20:63,687,691, G>C. VCF-style: chr20-63687691-G-C. GRCh37 (hg19) VCF-style: chr20-62319044-G-C.
Other names: c.733G>C, p.Val245Leu (NM_001283010.1); c.1402G>C, p.Val468Leu (NM_016434.4); c.1474G>C, p.Val492Leu (NM_032957.5); short protein forms V245L, V492L, V468L.
Identifiers: ClinVar variation 3948286 (VCV003948286.1).